The following is an entry in ClinVar:

ClinVar aggregate classification (germline): Likely pathogenic (1 of 4 stars; one submission).

Allele frequency attached by ClinVar (database versions not stated): gnomAD 0.00001; TOPMed 0.00002.

Submission:

GeneDx
Classification: Likely pathogenic. Last evaluated: 2026-09-21. Review status: criteria provided, single submitter. Criteria: GeneDx Variant Classification Process June 2021. Collection method: clinical testing. Allele origin: germline.
Comment: Alters the last nucleotide of the exon and is predicted to destroy the splice donor site and result in aberrant splicing, although in the absence of functional evidence the actual effect of this sequence change is unknown; Not observed at significant frequency in large population cohorts (gnomAD); Has not been previously published as pathogenic or benign to our knowledge

NM_015215.4(CAMTA1):c.234G>A (p.Glu78=)

Gene: CAMTA1 (calmodulin binding transcription activator 1; plus strand). Cytogenetic location: 1p36.31.
Variant type: single nucleotide variant.
Coding change: c.234G>A on transcript NM_015215.4 (MANE Select); coding-DNA position 234, G replaced by A.
Protein change: p.Glu78=; no amino-acid change (glutamic acid 78 retained).
Molecular consequence: synonymous variant. On other transcripts: non-coding transcript variant (4).
Genome position (GRCh38, 1-based): chr1:6,825,210, G>A. VCF-style: chr1-6825210-G-A. GRCh37 (hg19) VCF-style: chr1-6885270-G-A.
Other names: c.234G>A, p.Glu78= (NM_001195563.2, NM_001242701.2, NM_001349609.2 and 3 more transcripts); c.144G>A, p.Glu48= (NM_001349608.2, NM_001349612.2); c.270G>A, p.Glu90= (NM_001349627.2).
Identifiers: ClinVar variation 1706201 (VCV001706201.4), dbSNP rs1049041921, ClinGen allele CA17543525.
Genomic context (GRCh38, chr1:6,825,210, plus strand): 5'-TGAATGTCTGCCGAAATGTTCAAGTTTACCAAAAGAGAGGCACCGCTGGAACACTAATGA[G>A]GTAGATAAGTTTCTTTTTTTAAGGGTATAATTATTTTAAGGGCAAATTTTTTAGGTTGCT-3'
Protein context (NP_056030.1, residues 68-88): PKERHRWNTN[Glu78=]EIAAYLITFE